The following is an entry in ClinVar:

ClinVar aggregate classification (germline): Uncertain significance (1 of 4 stars; one submission).

Submission:

Labcorp Genetics (formerly Invitae), Labcorp
Classification: Uncertain significance. Last evaluated: 2022-10-13. Review status: criteria provided, single submitter. Criteria: Invitae Variant Classification Sherloc (09022015). Collection method: clinical testing. Allele origin: germline.
Comment: ClinVar contains an entry for this variant (Variation ID: 963318). In summary, the available evidence is currently insufficient to determine the role of this variant in disease. Therefore, it has been classified as a Variant of Uncertain Significance. Algorithms developed to predict the effect of missense changes on protein structure and function (SIFT, PolyPhen-2, Align-GVGD) all suggest that this variant is likely to be tolerated. This variant has not been reported in the literature in individuals affected with KIAA1549-related conditions. This variant is not present in population databases (gnomAD no frequency). This sequence change replaces glutamine, which is neutral and polar, with glutamic acid, which is acidic and polar, at codon 91 of the KIAA1549 protein (p.Gln91Glu).

NM_001164665.2(KIAA1549):c.271C>G (p.Gln91Glu)

Gene: KIAA1549 (KIAA1549; minus strand). Cytogenetic location: 7q34.
Variant type: single nucleotide variant.
Coding change: c.271C>G on transcript NM_001164665.2 (MANE Select); coding-DNA position 271, C replaced by G.
Protein change: p.Gln91Glu; replaces glutamine 91 with glutamic acid.
Molecular consequence: missense variant.
Genome position (GRCh38, 1-based): chr7:138,919,355, G>C on the plus strand (C>G on the coding strand, the complement: KIAA1549 is on the minus strand). VCF-style: chr7-138919355-G-C. GRCh37 (hg19) VCF-style: chr7-138604101-G-C.
Other names: c.271C>G, p.Gln91Glu (NM_020910.3); short protein forms Q91E.
Identifiers: ClinVar variation 963318 (VCV000963318.10), dbSNP rs1812476755, ClinGen allele CA369403416.